The following is an entry in ClinVar:

ClinVar aggregate classification (germline): Likely benign. Review status: criteria provided, multiple submitters, no conflicts (2 of 4 stars). 3 submissions from 3 submitters: Likely benign (3). Last evaluated 2025-10-08.

Allele frequency attached by ClinVar (database versions not stated): gnomAD 0.00004; TOPMed 0.00005; gnomAD exomes 0.00006 and 0.00007; ExAC 0.00008.
gnomAD v4.1: 91 of 1,613,970 alleles (0.0056%); highest among the groups gnomAD compares: Non-Finnish European, 0.0069%; no homozygotes.

Submissions (3):

Labcorp Genetics (formerly Invitae), Labcorp
Classification: Likely benign. Last evaluated: 2025-10-08. Review status: criteria provided, single submitter. Criteria: Invitae Variant Classification Sherloc (09022015). Collection method: clinical testing. Allele origin: germline.

CeGaT Center for Human Genetics Tuebingen
Classification: Likely benign. Last evaluated: 2023-06-01. Review status: criteria provided, single submitter. Criteria: CeGaT Center For Human Genetics Tuebingen Variant Classification Criteria Version 2. Collection method: clinical testing. Allele origin: germline. Affected: yes. Observed: 1 variant allele.
Comment: CDH3: BP4

Blueprint Genetics
Classification: Likely benign. Last evaluated: 2021-05-18. Review status: criteria provided, single submitter. Criteria: ACMG Guidelines, 2015. Collection method: clinical testing. Allele origin: germline.

NM_001793.6(CDH3):c.642G>A (p.Lys214=)

Gene: CDH3 (cadherin 3; plus strand). Cytogenetic location: 16q22.1.
Variant type: single nucleotide variant.
Coding change: c.642G>A on transcript NM_001793.6 (MANE Select); coding-DNA position 642, G replaced by A.
Protein change: p.Lys214=; no amino-acid change (lysine 214 retained).
Molecular consequence: synonymous variant.
Genome position (GRCh38, 1-based): chr16:68,678,857, G>A. VCF-style: chr16-68678857-G-A. GRCh37 (hg19) VCF-style: chr16-68712760-G-A.
Other names: c.642G>A, p.Lys214= (NM_001317195.3); c.477G>A, p.Lys159= (NM_001317196.2).
Identifiers: ClinVar variation 1595310 (VCV001595310.36), dbSNP rs770108268, ClinGen allele CA8129086.